The following is an entry in ClinVar:

ClinVar aggregate classification (germline): Uncertain significance (1 of 4 stars; one submission).

Submission:

Women's Health and Genetics/Laboratory Corporation of America, LabCorp
Classification: Uncertain significance. Last evaluated: 2024-05-01. Review status: criteria provided, single submitter. Criteria: LabCorp Variant Classification Summary - May 2015. Collection method: clinical testing. Allele origin: germline.
Comment: Variant summary: The variant involves the duplication of exons 9-11 in the IL1RAPL1 gene. A presumed nomenclature of c.(1057+1_1058-1)_(*899_?)dup has been designated for the purposes of this classification. The exact breakpoint at the 3' end of this variant is unknown, therefore this duplication may extend downstream of the annotated region of the gene. As it duplicates the termination codon, its effect on the encoded protein is unknown. The variant allele was found at a frequency of 2.1e-05 in 95247 control chromosomes in the gnomAD database (Structural Variants v4.0 dataset). The available data on variant occurrences in the general population are insufficient to allow any conclusion about variant significance. To our knowledge, no occurrence of c.(1057+1_1058-1)_(*899_?)dup in individuals affected with Intellectual disability, X-linked 21 and no experimental evidence demonstrating its impact on protein function have been reported. No submitters have cited clinical-significance assessments for this variant to ClinVar. Based on the evidence outlined above, the variant was classified as uncertain significance.

NC_000023.10:g.(29938212_29959767)_(29974836_?)dup

Gene: IL1RAPL1 (interleukin 1 receptor accessory protein like 1; plus strand). Cytogenetic location: Xp21.2.
Variant type: Duplication.
Identifiers: ClinVar variation 3336265 (VCV003336265.1).